The following is an entry in ClinVar:

NM_004863.3(SPTLC2):c.-187C>T

Gene: SPTLC2 (serine palmitoyltransferase long chain base subunit 2; minus strand). Cytogenetic location: 14q24.3.
Variant type: single nucleotide variant.
Coding change: c.-187C>T on transcript NM_004863.3; 187 bases upstream of the start codon, C replaced by T.
Genome position (GRCh38, 1-based): chr14:77,616,766, G>A on the plus strand (C>T on the coding strand, the complement: SPTLC2 is on the minus strand). VCF-style: chr14-77616766-G-A. GRCh37 (hg19) VCF-style: chr14-78083109-G-A.
Identifiers: ClinVar variation 314688 (VCV000314688.7), dbSNP rs554906103, ClinGen allele CA10641173.

ClinVar aggregate classification (germline): Benign (1 of 4 stars; one submission).

Conditions:
Neuropathy, hereditary sensory and autonomic, type 1C. Also called: HSAN IC; HSN IC. Identifiers: Orphanet 36386, MedGen C3150896, MONDO:0013337, OMIM 613640.

Allele frequency attached by ClinVar (database versions not stated): 1000 Genomes Project 30x 0.00047; gnomAD 0.00001; TOPMed 0.00001; 1000 Genomes Project 0.00040.

Submission:

Illumina Laboratory Services, Illumina
Classification: Benign for Neuropathy, hereditary sensory and autonomic, type 1C. Last evaluated: 2018-01-12. Review status: criteria provided, single submitter. Criteria: ICSL Variant Classification Criteria 13 December 2019. Collection method: clinical testing. Allele origin: germline.
Comment: This variant was observed in the ICSL laboratory as part of a predisposition screen in an ostensibly healthy population. It had not been previously curated by ICSL or reported in the Human Gene Mutation Database (HGMD: prior to June 1st, 2018), and was therefore a candidate for classification through an automated scoring system. Utilizing variant allele frequency, disease prevalence and penetrance estimates, and inheritance mode, an automated score was calculated to assess if this variant is too frequent to cause the disease. Based on the score and internal cut-off values, a variant classified as benign is not then subjected to further curation. The score for this variant resulted in a classification of benign for this disease.